The following is an entry in ClinVar:

NM_006269.2(RP1):c.5971C>G (p.Gln1991Glu)

Genes: RP1 (RP1 axonemal microtubule associated; plus strand), LOC126860392 (CDK7 strongly-dependent group 2 enhancer GRCh37_chr8:55541319-55542518; plus strand). Cytogenetic location: 8q12.1.
Variant type: single nucleotide variant.
Coding change: c.5971C>G on transcript NM_006269.2 (MANE Select); coding-DNA position 5971, C replaced by G.
Protein change: p.Gln1991Glu; replaces glutamine 1991 with glutamic acid.
Molecular consequence: missense variant. On other transcripts: intron variant (1).
Genome position (GRCh38, 1-based): chr8:54,629,853, C>G. VCF-style: chr8-54629853-C-G. GRCh37 (hg19) VCF-style: chr8-55542413-C-G.
Other names: c.787+7565C>G (NM_001375654.1); c.5971C>G (NM_006269.1); short protein forms Q1991E.
Identifiers: ClinVar variation 3010170 (VCV003010170.4), dbSNP rs746823852, ClinGen allele CA4752158.

ClinVar aggregate classification (germline): Uncertain significance. Review status: criteria provided, multiple submitters, no conflicts (2 of 4 stars). 2 submissions from 2 submitters: Uncertain significance (2). Last evaluated 2025-09-28.

Conditions:
Inborn genetic diseases. Identifiers: MedGen C0950123, MeSH D030342.

Allele frequency attached by ClinVar (database versions not stated): ExAC 0.00001; gnomAD 0.00001; TOPMed 0.00001.
gnomAD v4.1: 1 of 1,613,496 alleles (0.000062%); highest among the groups gnomAD compares: African/African-American, 0.0013%; no homozygotes.

Submissions (2):

Ambry Genetics
Classification: Uncertain significance for Inborn genetic diseases. Last evaluated: 2025-09-28. Review status: criteria provided, single submitter. Criteria: Ambry Variant Classification Scheme 2023. Collection method: clinical testing. Allele origin: germline.

Labcorp Genetics (formerly Invitae), Labcorp
Classification: Uncertain significance. Last evaluated: 2022-11-17. Review status: criteria provided, single submitter. Criteria: Invitae Variant Classification Sherloc (09022015). Collection method: clinical testing. Allele origin: germline.
Comment: This sequence change replaces glutamine, which is neutral and polar, with glutamic acid, which is acidic and polar, at codon 1991 of the RP1 protein (p.Gln1991Glu). This variant is present in population databases (rs746823852, gnomAD 0.008%). This variant has not been reported in the literature in individuals affected with RP1-related conditions. Algorithms developed to predict the effect of missense changes on protein structure and function output the following: SIFT: "Tolerated"; PolyPhen-2: "Benign"; Align-GVGD: "Class C0". The glutamic acid amino acid residue is found in multiple mammalian species, which suggests that this missense change does not adversely affect protein function. In summary, the available evidence is currently insufficient to determine the role of this variant in disease. Therefore, it has been classified as a Variant of Uncertain Significance.